The following is an entry in ClinVar:

ClinVar aggregate classification (germline): Uncertain significance (1 of 4 stars; one submission).

Submission:

GeneDx
Classification: Uncertain significance. Last evaluated: 2019-10-25. Review status: criteria provided, single submitter. Criteria: GeneDx Variant Classification Process June 2021. Collection method: clinical testing. Allele origin: germline. Affected: yes.
Comment: Not observed in large population cohorts (Lek et al., 2016); In silico analysis, which includes protein predictors and evolutionary conservation, supports a deleterious effect; Has not been previously published as pathogenic or benign to our knowledge

NM_015311.3(OBSL1):c.2311C>G (p.His771Asp)

Gene: OBSL1 (obscurin like cytoskeletal adaptor 1; minus strand). Cytogenetic location: 2q35.
Variant type: single nucleotide variant.
Coding change: c.2311C>G on transcript NM_015311.3 (MANE Select); coding-DNA position 2311, C replaced by G.
Protein change: p.His771Asp; replaces histidine 771 with aspartic acid.
Molecular consequence: missense variant.
Genome position (GRCh38, 1-based): chr2:219,565,338, G>C on the plus strand (C>G on the coding strand, the complement: OBSL1 is on the minus strand). VCF-style: chr2-219565338-G-C. GRCh37 (hg19) VCF-style: chr2-220430060-G-C.
Other names: c.2311C>G, p.His771Asp (NM_001173408.2, NM_001173431.2); short protein forms H771D.
Identifiers: ClinVar variation 1309780 (VCV001309780.2), dbSNP rs768945071, ClinGen allele CA350750552.